The following is an entry in ClinVar:

ClinVar aggregate classification (germline): Likely pathogenic. Review status: criteria provided, multiple submitters, no conflicts (2 of 4 stars). 2 submissions from 2 submitters: Likely pathogenic (2). Last evaluated 2025-01-14.

Conditions:
Bardet-Biedl syndrome 12 (BBS12). Identifiers: Orphanet 110, MedGen C1859570, MONDO:0014440, OMIM 615989.

Submissions (2):

Natera, Inc.
Classification: Likely pathogenic for Bardet-Biedl syndrome type 12. Last evaluated: 2025-01-14. Review status: criteria provided, single submitter. Criteria: Natera Variant Classification Schema (03/2026). Collection method: clinical testing. Allele origin: germline.
Comment: The c.1124_1125del variant in BBS12 is a frameshift variant predicted to shift the reading frame beginning at codon 375 and leads to a stop codon 4 codons downstream. This variant is expected to result in nonsense mediated decay, truncation, or a dysfunctional protein product. This variant is rare in the general population with a frequency below the threshold expected for the associated phenotype(s). Given the available evidence, this variant is classified as Likely Pathogenic.

Fulgent Genetics
Classification: Likely pathogenic for Bardet-Biedl syndrome 12. Last evaluated: 2024-01-17. Review status: criteria provided, single submitter. Criteria: ACMG Guidelines, 2015. Collection method: clinical testing. Allele origin: germline.

NM_152618.3(BBS12):c.1124_1125del (p.Ser375fs)

Gene: BBS12 (Bardet-Biedl syndrome 12; plus strand). Cytogenetic location: 4q27.
Variant type: Deletion.
Coding change: c.1124_1125del on transcript NM_152618.3 (MANE Select); coding-DNA positions 1124 to 1125, 2 bases deleted (CT; older notation c.1124_1125delCT).
Protein change: p.Ser375fs; shifts the reading frame from serine 375.
Molecular consequence: frameshift variant.
Genome position (GRCh38, 1-based): chr4:122,743,016-122,743,017, CT deleted; deleting any 2 consecutive bases within chr4:122,743,015-122,743,017 gives the same sequence; the c. name uses the placement nearest the transcript's 3' end. VCF-style (leftmost placement, unchanged base first): chr4-122743014-GTC-G. GRCh37 (hg19) VCF-style: chr4-123664169-GTC-G.
Other names: c.1124_1125del, p.Ser375fs (NM_001178007.2); c.1124_1125del (NM_152618.2); short protein forms S375fs.
Identifiers: ClinVar variation 3589832 (VCV003589832.3).